The following is an entry in ClinVar:

ClinVar aggregate classification (germline): Uncertain significance. Review status: criteria provided, multiple submitters, no conflicts (2 of 4 stars). 2 submissions from 2 submitters: Uncertain significance (2). Last evaluated 2025-09-06.

Conditions:
Hereditary cancer-predisposing syndrome. Also called: Hereditary neoplastic syndrome; Tumor predisposition; Neoplastic Syndromes, Hereditary; Hereditary Cancer Syndrome. Identifiers: Orphanet 140162, MedGen C0027672, MeSH D009386, MONDO:0015356.
Oligodontia-cancer predisposition syndrome. Also called: TOOTH AGENESIS-COLORECTAL CANCER SYNDROME. Identifiers: Orphanet 300576, MedGen C1837750, MONDO:0012075, OMIM 608615. Disease mechanism: loss of function.

Allele frequency attached by ClinVar (database versions not stated): TOPMed below 0.00001.
gnomAD v4.1: 1 of 1,601,476 alleles (0.000062%); highest among the groups gnomAD compares: Non-Finnish European, 0.000085%; no homozygotes.

Submissions (2):

Ambry Genetics
Classification: Uncertain significance for Hereditary cancer-predisposing syndrome. Last evaluated: 2025-09-06. Review status: criteria provided, single submitter. Criteria: Ambry Variant Classification Scheme 2023. Collection method: clinical testing. Allele origin: germline.
Comment: The p.T672S variant (also known as c.2015C>G), located in coding exon 7 of the AXIN2 gene, results from a C to G substitution at nucleotide position 2015. The threonine at codon 672 is replaced by serine, an amino acid with similar properties. This amino acid position is conserved. In addition, this alteration is predicted to be tolerated by in silico analysis. Based on the available evidence, the clinical significance of this variant remains unclear.

Labcorp Genetics (formerly Invitae), Labcorp
Classification: Uncertain significance for Oligodontia-cancer predisposition syndrome. Last evaluated: 2025-08-17. Review status: criteria provided, single submitter. Criteria: Invitae Variant Classification Sherloc (09022015). Collection method: clinical testing. Allele origin: germline.
Comment: This sequence change replaces threonine, which is neutral and polar, with serine, which is neutral and polar, at codon 672 of the AXIN2 protein (p.Thr672Ser). This variant is not present in population databases (gnomAD no frequency). This variant has not been reported in the literature in individuals affected with AXIN2-related conditions. ClinVar contains an entry for this variant (Variation ID: 1348809). Invitae Evidence Modeling of protein sequence and biophysical properties (such as structural, functional, and spatial information, amino acid conservation, physicochemical variation, residue mobility, and thermodynamic stability) indicates that this missense variant is not expected to disrupt AXIN2 protein function with a negative predictive value of 80%. In summary, the available evidence is currently insufficient to determine the role of this variant in disease. Therefore, it has been classified as a Variant of Uncertain Significance.

NM_004655.4(AXIN2):c.2015C>G (p.Thr672Ser)

Gene: AXIN2 (axin 2; minus strand). Cytogenetic location: 17q24.1.
Variant type: single nucleotide variant.
Coding change: c.2015C>G on transcript NM_004655.4 (MANE Select); coding-DNA position 2015, C replaced by G.
Protein change: p.Thr672Ser; replaces threonine 672 with serine.
Molecular consequence: missense variant.
Genome position (GRCh38, 1-based): chr17:65,536,446, G>C on the plus strand (C>G on the coding strand, the complement: AXIN2 is on the minus strand). VCF-style: chr17-65536446-G-C. GRCh37 (hg19) VCF-style: chr17-63532564-G-C.
Other names: c.2015C>G (NM_004655.3); c.1820C>G, p.Thr607Ser (NM_001363813.1); short protein forms T607S, T672S.
Identifiers: ClinVar variation 1348809 (VCV001348809.9), dbSNP rs1060502141, ClinGen allele CA400676154.